The following is an entry in ClinVar:

ClinVar aggregate classification (germline): Pathogenic (1 of 4 stars; one submission).

Conditions:
Renal tubular acidosis with progressive nerve deafness. Also called: RENAL TUBULAR ACIDOSIS, AUTOSOMAL RECESSIVE, WITH PROGRESSIVE NERVE DEAFNESS; RTA WITH PROGRESSIVE NERVE DEAFNESS; Distal Renal Tubular Acidosis with Progressive Sensorineural Deafness; renal tubular acidosis, distal, 2, with progressive sensorineural hearing loss. Identifiers: MedGen C0403554, MONDO:0009968, OMIM 267300.

Submission:

Myriad Genetics, Inc.
Classification: Pathogenic for Renal tubular acidosis with progressive nerve deafness. Last evaluated: 2024-05-14. Review status: criteria provided, single submitter. Criteria: Myriad Autosomal Dominant, Autosomal Recessive and X-Linked Classification Criteria (2023). Collection method: clinical testing. Allele origin: unknown.
Comment: NM_001692.3(ATP6V1B1):c.1113_1126dup14(Q376Pfs*25) is expected to be pathogenic in the context of distal renal tubular acidosis with deafness, ATP6V1B1-related. This variant is predicted to lead to an abnormal or absent protein product due to the creation of a premature termination codon in ATP6V1B1, a gene where loss-of-function variants are known to be pathogenic. Please note: this variant was assessed in the context of healthy population screening.

NM_001692.4(ATP6V1B1):c.1113_1126dup (p.Gln376fs)

Gene: ATP6V1B1 (ATPase H+ transporting V1 subunit B1; plus strand). Cytogenetic location: 2p13.3.
Variant type: Duplication.
Coding change: c.1113_1126dup on transcript NM_001692.4 (MANE Select); coding-DNA positions 1113 to 1126, 14 bases duplicated (CTACGTGGACAGAC).
Protein change: p.Gln376fs; shifts the reading frame from glutamine 376.
Molecular consequence: frameshift variant.
Genome position (GRCh38, 1-based): chr2:70,963,624-70,963,637, CTACGTGGACAGAC duplicated. VCF-style (leftmost placement, unchanged base first): chr2-70963623-T-TCTACGTGGACAGAC. GRCh37 (hg19) VCF-style: chr2-71190753-T-TCTACGTGGACAGAC.
Other names: short protein forms Q376fs.
Identifiers: ClinVar variation 5010517 (VCV005010517.1).
Genomic context (GRCh38, chr2:70,963,623, plus strand): 5'-TTCTTGTAGATATCACCCACCCTATCCCAGACTTGACGGGCTTCATCACAGAGGGACAGA[T>TCTACGTGGACAGAC]CTACGTGGACAGACAGCTTCACAACAGACAGGTACTGCCCTGTCCCTACCCACTTCCTGC-3'